The following is an entry in ClinVar:

ClinVar aggregate classification (germline): Likely benign (1 of 4 stars; one submission).

Allele frequency attached by ClinVar (database versions not stated): 1000 Genomes Project 30x 0.00021; 1000 Genomes Project 0.00026; TOPMed 0.00050; gnomAD 0.00060.
gnomAD v4.1: 66 of 112,012 alleles (0.059%); highest among the groups gnomAD compares: South Asian, 0.15%; no homozygotes.

Submission:

CeGaT Center for Human Genetics Tuebingen
Classification: Likely benign. Last evaluated: 2023-02-01. Review status: criteria provided, single submitter. Criteria: CeGaT Center For Human Genetics Tuebingen Variant Classification Criteria Version 2. Collection method: clinical testing. Allele origin: germline. Affected: yes. Observed: 1 variant allele.
Comment: REPS2: BS2

NC_000023.11:g.17187377A>G

Gene: REPS2 (RALBP1 associated Eps domain containing 2; plus strand). Cytogenetic location: Xp22.2.
Variant type: single nucleotide variant.
Genome position: GRCh38 VCF-style: chrX-17187377-A-G. GRCh37 (hg19) VCF-style: chrX-17205500-A-G.
Identifiers: ClinVar variation 2660077 (VCV002660077.24), dbSNP rs187573797, ClinGen allele CA327267741.
Genomic context (GRCh38, chrX:17,187,377, plus strand): 5'-GCAGGGACCAGGGCACACAGCCAAGAAGAGGGAAGGAGACCTTCAAATCCAGGCTGCCGA[A>G]TGGGCCCTCCTTAGAAGCTCCTGAGAAAAGAGATCTAGAGCGGCTGACACAGAGGAATGT-3'